The following is an entry in ClinVar:

NM_020923.3(ZDBF2):c.6741G>C (p.Arg2247Ser)

Gene: ZDBF2 (zinc finger DBF-type containing 2; plus strand). Cytogenetic location: 2q33.3.
Variant type: single nucleotide variant.
Coding change: c.6741G>C on transcript NM_020923.3 (MANE Select); coding-DNA position 6741, G replaced by C.
Protein change: p.Arg2247Ser; replaces arginine 2247 with serine.
Molecular consequence: missense variant.
Genome position (GRCh38, 1-based): chr2:206,311,269, G>C. VCF-style: chr2-206311269-G-C. GRCh37 (hg19) VCF-style: chr2-207175993-G-C.
Other names: c.6735G>C, p.Arg2245Ser (NM_001285549.2); c.6741G>C, p.Arg2247Ser (NM_001369654.1); short protein forms R2245S, R2247S.
Identifiers: ClinVar variation 3472805 (VCV003472805.3).

ClinVar aggregate classification (germline): Uncertain significance. Review status: criteria provided, multiple submitters, no conflicts (2 of 4 stars). 2 submissions from 2 submitters: Uncertain significance (2). Last evaluated 2024-11-26.

gnomAD v4.1: 1 of 1,610,014 alleles (0.000062%); highest among the groups gnomAD compares: Admixed American, 0.0017%; no homozygotes.

Submissions (2):

Ambry Genetics
Classification: Uncertain significance. Last evaluated: 2024-11-26. Review status: criteria provided, single submitter. Criteria: Ambry Variant Classification Scheme 2023. Collection method: clinical testing. Allele origin: germline.

Labcorp Genetics (formerly Invitae), Labcorp
Classification: Uncertain significance. Last evaluated: 2024-02-12. Review status: criteria provided, single submitter. Criteria: Invitae Variant Classification Sherloc (09022015). Collection method: clinical testing. Allele origin: germline.
Comment: This sequence change replaces arginine, which is basic and polar, with serine, which is neutral and polar, at codon 2247 of the ZDBF2 protein (p.Arg2247Ser). This variant is not present in population databases (gnomAD no frequency). This variant has not been reported in the literature in individuals affected with ZDBF2-related conditions. An algorithm developed to predict the effect of missense changes on protein structure and function (PolyPhen-2) suggests that this variant is likely to be tolerated. In summary, the available evidence is currently insufficient to determine the role of this variant in disease. Therefore, it has been classified as a Variant of Uncertain Significance.